The following is an entry in ClinVar:

NM_000213.5(ITGB4):c.175_207del (p.Arg59_Ala69del)

Gene: ITGB4 (integrin subunit beta 4; plus strand). Cytogenetic location: 17q25.1.
Variant type: Deletion.
Coding change: c.175_207del on transcript NM_000213.5 (MANE Select); coding-DNA positions 175 to 207, 33 bases deleted.
Protein change: p.Arg59_Ala69del.
Molecular consequence: inframe deletion. On other transcripts: inframe indel (1).
Genome position (GRCh38, 1-based): chr17:75,727,416-75,727,448, 33 bases deleted; deleting any 33 consecutive bases within chr17:75,727,415-75,727,448 gives the same sequence; the c. name uses the placement nearest the transcript's 3' end. GRCh37 (hg19): chr17:73,723,497-73,723,529.
Other names: c.175_207del33, p.Arg59_Ala69del (NM_001005619.2); c.175_207del, p.Arg59_Ala69del (NM_001005731.3, NM_001321123.2).
Identifiers: ClinVar variation 450544 (VCV000450544.2), dbSNP rs1480399395, ClinGen allele CA627595718.

ClinVar aggregate classification (germline): Pathogenic (1 of 4 stars; one submission).

Submission:

GeneDx
Classification: Pathogenic. Last evaluated: 2017-07-20. Review status: criteria provided, single submitter. Criteria: GeneDx Variant Classification (06012015). Collection method: clinical testing. Allele origin: germline. Affected: yes.
Comment: The c.175_207del33 pathogenic variant in the ITGB4 gene has been reported previously in the homozygous state in an individual with junctional epidermolysis bullosa with pyloric atresia (Micheloni et al., 2004). Studies on this individualâ€™s cells demonstrated complete loss of beta 4 integrin protein (Micheloni et al., 2004). The c.175_207del33 variant causes an in-frame deletion of eleven amino acids starting with Arginine 59, denoted p.Arg59_Ala69del. In silico analysis predicts this variant is probably damaging to the protein structure/function. The c.175_207del33 variant is not observed in large population cohorts (Lek et al., 2016; 1000 Genomes Consortium et al., 2015; Exome Variant Server). We interpret c.175_207del33 as a pathogenic variant.